The following is an entry in ClinVar:

ClinVar aggregate classification (germline): Conflicting classifications of pathogenicity. Review status: criteria provided, conflicting classifications (1 of 4 stars). 5 submissions from 4 submitters: Uncertain significance (2); Likely benign (3). Last evaluated 2023-08-15.

Conditions:
RYR1-related disorder. Also called: RYR1-related condition; RYR1-related disorders. Identifiers: MedGen CN239331.
Malignant hyperthermia, susceptibility to, 1 (MHS1). Also called: Anesthesia related hyperthermia; Malignant hyperpyrexia; Fulminating hyperpyrexia; Pharmacogenic myopathy; RYR1-Related Malignant Hyperthermia Susceptibility; Malignant hyperthermia suceptibility 1. Identifiers: Orphanet 423, MedGen C2930980, MONDO:0007783, OMIM 145600.
Congenital multicore myopathy with external ophthalmoplegia (CMYO1B). Also called: MULTICORE MYOPATHY; Minicore myopathy with external ophthalmoplegia; Congenital myopathy 1B, autosomal recessive; Minicore myopathy; MULTIMINICORE DISEASE WITH EXTERNAL OPHTHALMOPLEGIA. Identifiers: Orphanet 598, Orphanet 98905, MedGen C1850674, MONDO:0009712, OMIM 255320, HP:0003789.

Allele frequency attached by ClinVar (database versions not stated): gnomAD exomes below 0.00001; TOPMed below 0.00001.
gnomAD v4.1: 1 of 1,613,934 alleles (0.000062%); highest among the groups gnomAD compares: Non-Finnish European, 0.000085%; no homozygotes.

Submissions (5):

All of Us Research Program, National Institutes of Health
Classification: Likely benign for Malignant hyperthermia, susceptibility to, 1. Last evaluated: 2023-08-15. Review status: criteria provided, single submitter. Criteria: ACMG Guidelines, 2015. Collection method: clinical testing. Allele origin: germline. Inheritance: Autosomal dominant inheritance. Observed: 1 variant allele, 1 heterozygote.
Comment: This study involves interpretation of variants in research participants for the purpose of population health screening. Participant phenotype was not available at the time of variant classification. Additional details can be found in publication PMID: 35346344, PMCID: PMC8962531

Color Diagnostics, LLC DBA Color Health
Classification: Likely benign for Malignant hyperthermia, susceptibility to, 1. Last evaluated: 2023-07-26. Review status: criteria provided, single submitter. Criteria: ACMG Guidelines, 2015. Collection method: clinical testing. Allele origin: germline.

Labcorp Genetics (formerly Invitae), Labcorp
Classification: Likely benign for RYR1-related disorder. Last evaluated: 2023-07-10. Review status: criteria provided, single submitter. Criteria: Invitae Variant Classification Sherloc (09022015). Collection method: clinical testing. Allele origin: germline.

Illumina Laboratory Services, Illumina
Classification: Uncertain significance for Malignant hyperthermia, susceptibility to, 1. Last evaluated: 2018-01-13. Review status: criteria provided, single submitter. Criteria: ICSL Variant Classification Criteria 13 December 2019. Collection method: clinical testing. Allele origin: germline.

Illumina Laboratory Services, Illumina
Classification: Uncertain significance for Congenital multicore myopathy with external ophthalmoplegia. Last evaluated: 2018-01-13. Review status: criteria provided, single submitter. Criteria: ICSL Variant Classification Criteria 13 December 2019. Collection method: clinical testing. Allele origin: germline.

NM_000540.3(RYR1):c.4266C>T (p.Asp1422=)

Gene: RYR1 (ryanodine receptor 1; plus strand). Cytogenetic location: 19q13.2.
Variant type: single nucleotide variant.
Coding change: c.4266C>T on transcript NM_000540.3 (MANE Select); coding-DNA position 4266, C replaced by T.
Protein change: p.Asp1422=; no amino-acid change (aspartic acid 1422 retained).
Molecular consequence: synonymous variant.
Genome position (GRCh38, 1-based): chr19:38,475,423, C>T. VCF-style: chr19-38475423-C-T. GRCh37 (hg19) VCF-style: chr19-38966063-C-T.
Other names: c.4266C>T, p.Asp1422= (NM_001042723.2).
Identifiers: ClinVar variation 329022 (VCV000329022.15), dbSNP rs886054385, ClinGen allele CA10648631.